The following is an entry in ClinVar:

ClinVar aggregate classification (germline): Uncertain significance (1 of 4 stars; one submission).

Submission:

Labcorp Genetics (formerly Invitae), Labcorp
Classification: Uncertain significance. Last evaluated: 2025-12-15. Review status: criteria provided, single submitter. Criteria: Invitae Variant Classification Sherloc (09022015). Collection method: clinical testing. Allele origin: germline.
Comment: This sequence change replaces lysine, which is basic and polar, with arginine, which is basic and polar, at codon 1190 of the RERE protein (p.Lys1190Arg). Information on the frequency of this variant in the gnomAD database is not available, as this variant may be reported differently in the database. This variant has not been reported in the literature in individuals affected with RERE-related conditions. Experimental studies and prediction algorithms are not available or were not evaluated, and the functional significance of this variant is currently unknown. In summary, the available evidence is currently insufficient to determine the role of this variant in disease. Therefore, it has been classified as a Variant of Uncertain Significance.

NM_001042681.2(RERE):c.3568_3569delinsCG (p.Lys1190Arg)

Gene: RERE (arginine-glutamic acid dipeptide repeats; minus strand). Cytogenetic location: 1p36.23.
Variant type: Indel.
Coding change: c.3568_3569delinsCG on transcript NM_001042681.2 (MANE Select); coding-DNA positions 3568 to 3569, AA replaced by CG.
Protein change: p.Lys1190Arg; replaces lysine 1190 with arginine.
Molecular consequence: missense variant.
Genome position (GRCh38, 1-based): chr1:8,359,813-8,359,814, TT replaced by CG on the plus strand (AA replaced by CG on the coding strand, the reverse complement: RERE is on the minus strand). VCF-style: chr1-8359813-TT-CG. GRCh37 (hg19) VCF-style: chr1-8419873-TT-CG.
Other names: c.1906_1907delinsCG, p.Lys636Arg (NM_001042682.2); c.3568_3569delinsCG, p.Lys1190Arg (NM_012102.4); short protein forms K1190R, K636R.
Identifiers: ClinVar variation 4749895 (VCV004749895.1).